The following is an entry in ClinVar:

NM_001365088.1(SLC12A6):c.298G>T (p.Glu100Ter)

Gene: SLC12A6 (solute carrier family 12 member 6; minus strand). Cytogenetic location: 15q14.
Variant type: single nucleotide variant.
Coding change: c.298G>T on transcript NM_001365088.1 (MANE Select); coding-DNA position 298, G replaced by T.
Protein change: p.Glu100Ter; replaces glutamic acid 100 with a stop codon.
Molecular consequence: nonsense. On other transcripts: intron variant (1).
Genome position (GRCh38, 1-based): chr15:34,275,363, C>A on the plus strand (G>T on the coding strand, the complement: SLC12A6 is on the minus strand). VCF-style: chr15-34275363-C-A. GRCh37 (hg19) VCF-style: chr15-34567564-C-A.
Other names: c.121G>T, p.Glu41Ter (NM_001042494.2, NM_001042495.2); c.271G>T, p.Glu91Ter (NM_001042496.2); c.145G>T, p.Glu49Ter (NM_005135.2); c.298G>T, p.Glu100Ter (NM_133647.2); c.272-14343G>T (NM_001042497.2); short protein forms E100*, E49*, E91*, E41*.
Identifiers: ClinVar variation 370269 (VCV000370269.8), dbSNP rs573444140, ClinGen allele CA16041727.
Genomic context (GRCh38, chr15:34,275,363, plus strand): 5'-GGGTGACTTTGGATAAAGTCAATCCCCACAGTAATACTATACCTAACAGTTGGCTGTGTT[C>A]CCCTGTGATGGAGTTCTGACTCAGGTCTGAAAAACAAACAATTGAAAAGAAAAGAAAAAA-3'

ClinVar aggregate classification (germline): Pathogenic. Review status: criteria provided, single submitter (1 of 4 stars). 2 submissions from 2 submitters: Pathogenic (1). 1 of the submissions does not count toward it. Last evaluated 2021-10-27.

Conditions:
Agenesis of the corpus callosum with peripheral neuropathy (ACCPN). Also called: Hereditary Motor and Sensory Neuropathy with Agenesis of the Corpus Callosum; POLYNEUROPATHY, SENSORIMOTOR, WITH OR WITHOUT AGENESIS OF THE CORPUS CALLOSUM; HMSN/ACC; CHARLEVOIX DISEASE. Identifiers: Orphanet 1496, MedGen C0795950, MONDO:0000902, OMIM 218000. Disease mechanism: loss of function.

Allele frequency attached by ClinVar (database versions not stated): gnomAD exomes below 0.00001.
gnomAD v4.1: 1 of 1,548,254 alleles (0.000065%); highest among the groups gnomAD compares: East Asian, 0.0023%; no homozygotes.

Submissions (2):

Labcorp Genetics (formerly Invitae), Labcorp
Classification: Pathogenic. Last evaluated: 2021-10-27. Review status: criteria provided, single submitter. Criteria: Invitae Variant Classification Sherloc (09022015). Collection method: clinical testing. Allele origin: germline.
Comment: This sequence change creates a premature translational stop signal (p.Glu100*) in the SLC12A6 gene. It is expected to result in an absent or disrupted protein product. Loss-of-function variants in SLC12A6 are known to be pathogenic (PMID: 12368912, 16606917). This variant is present in population databases (no rsID available, gnomAD 0.006%). This variant has not been reported in the literature in individuals affected with SLC12A6-related conditions. ClinVar contains an entry for this variant (Variation ID: 370269). Algorithms developed to predict the effect of sequence changes on RNA splicing suggest that this variant may create or strengthen a splice site. For these reasons, this variant has been classified as Pathogenic.

Counsyl
Classification: Likely pathogenic for Agenesis of the corpus callosum with peripheral neuropathy. Last evaluated: 2015-12-29. Review status: no assertion criteria provided. Collection method: clinical testing. Allele origin: unknown. Not counted in ClinVar's aggregate classification.

Literature cited by the submitters: PubMed 12368912 (cited by Labcorp Genetics (formerly Invitae), Labcorp); PubMed 16606917 (cited by Labcorp Genetics (formerly Invitae), Labcorp).